The following is an entry in ClinVar:

NM_001037.5(SCN1B):c.448+262G>T

Gene: SCN1B (sodium voltage-gated channel beta subunit 1; plus strand). Cytogenetic location: 19q13.11.
Variant type: single nucleotide variant.
Coding change: c.448+262G>T on transcript NM_001037.5 (MANE Select); 262 bases into the intron after coding-DNA position 448, G replaced by T.
Molecular consequence: intron variant. On other transcripts: missense variant (1).
Genome position (GRCh38, 1-based): chr19:35,034,001, G>T. VCF-style: chr19-35034001-G-T. GRCh37 (hg19) VCF-style: chr19-35524905-G-T.
Other names: c.710G>T, p.Cys237Phe (NM_199037.5); c.349+262G>T (NM_001321605.2); short protein forms C237F.
Identifiers: ClinVar variation 2845957 (VCV002845957.3), dbSNP rs1388559964, ClinGen allele CA405329692.

ClinVar aggregate classification (germline): Uncertain significance (1 of 4 stars; one submission).

Conditions:
Brugada syndrome 5 (BRGDA5). Identifiers: Orphanet 130, Orphanet 871, MedGen C2748541, MONDO:0013015, OMIM 612838.

Submission:

Labcorp Genetics (formerly Invitae), Labcorp
Classification: Uncertain significance for Brugada syndrome 5. Last evaluated: 2023-04-08. Review status: criteria provided, single submitter. Criteria: Invitae Variant Classification Sherloc (09022015). Collection method: clinical testing. Allele origin: germline.
Comment: This sequence change replaces cysteine, which is neutral and slightly polar, with phenylalanine, which is neutral and non-polar, at codon 237 of the SCN1B protein (p.Cys237Phe). This variant is not present in population databases (gnomAD no frequency). This variant has not been reported in the literature in individuals affected with SCN1B-related conditions. An algorithm developed to predict the effect of missense changes on protein structure and function (PolyPhen-2) suggests that this variant is likely to be tolerated. In summary, the available evidence is currently insufficient to determine the role of this variant in disease. Therefore, it has been classified as a Variant of Uncertain Significance.